The following is an entry in ClinVar:

ClinVar aggregate classification (germline): Uncertain significance. Review status: criteria provided, multiple submitters, no conflicts (2 of 4 stars). 2 submissions from 2 submitters: Uncertain significance (2). Last evaluated 2022-08-22.

Conditions:
Inborn genetic diseases. Identifiers: MedGen C0950123, MeSH D030342.
Metachromatic leukodystrophy (MLD). Also called: Cerebral sclerosis diffuse metachromatic form; ARSA DEFICIENCY; CEREBROSIDE SULFATASE DEFICIENCY; Arylsulfatase A Deficiency; METACHROMATIC LEUKOENCEPHALOPATHY; SULFATIDE LIPIDOSIS. Identifiers: Orphanet 512, MedGen C0023522, MONDO:0018868, OMIM 250100.

Allele frequency attached by ClinVar (database versions not stated): gnomAD exomes below 0.00001 and 0.00001; ExAC 0.00001; gnomAD 0.00004; TOPMed 0.00005.
gnomAD v4.1: 10 of 1,609,360 alleles (0.00062%); highest among the groups gnomAD compares: African/African-American, 0.011%; no homozygotes.

Submissions (2):

Labcorp Genetics (formerly Invitae), Labcorp
Classification: Uncertain significance for Metachromatic leukodystrophy. Last evaluated: 2022-08-22. Review status: criteria provided, single submitter. Criteria: Invitae Variant Classification Sherloc (09022015). Collection method: clinical testing. Allele origin: germline.
Comment: This sequence change replaces phenylalanine, which is neutral and non-polar, with leucine, which is neutral and non-polar, at codon 164 of the ARSA protein (p.Phe164Leu). This variant is present in population databases (rs745605987, gnomAD 0.01%). This variant has not been reported in the literature in individuals affected with ARSA-related conditions. ClinVar contains an entry for this variant (Variation ID: 1428659). Algorithms developed to predict the effect of missense changes on protein structure and function are either unavailable or do not agree on the potential impact of this missense change (SIFT: "Deleterious"; PolyPhen-2: "Probably Damaging"; Align-GVGD: "Class C15"). In summary, the available evidence is currently insufficient to determine the role of this variant in disease. Therefore, it has been classified as a Variant of Uncertain Significance.

Ambry Genetics
Classification: Uncertain significance for Inborn genetic diseases. Last evaluated: 2021-03-16. Review status: criteria provided, single submitter. Criteria: Ambry Variant Classification Scheme 2023. Collection method: clinical testing. Allele origin: germline.
Comment: The c.492C>G (p.F164L) alteration is located in exon 3 (coding exon 3) of the ARSA gene. This alteration results from a C to G substitution at nucleotide position 492, causing the phenylalanine (F) at amino acid position 164 to be replaced by a leucine (L). The in silico prediction for the p.F164L alteration is inconclusive. Based on insufficient or conflicting evidence, the clinical significance of this alteration remains unclear.

NM_000487.6(ARSA):c.492C>G (p.Phe164Leu)

Gene: ARSA (arylsulfatase A; minus strand). Cytogenetic location: 22q13.33.
Variant type: single nucleotide variant.
Coding change: c.492C>G on transcript NM_000487.6 (MANE Select); coding-DNA position 492, C replaced by G.
Protein change: p.Phe164Leu; replaces phenylalanine 164 with leucine.
Molecular consequence: missense variant.
Genome position (GRCh38, 1-based): chr22:50,627,026, G>C on the plus strand (C>G on the coding strand, the complement: ARSA is on the minus strand). VCF-style: chr22-50627026-G-C. GRCh37 (hg19) VCF-style: chr22-51065454-G-C.
Other names: c.492C>G (NM_000487.5); c.492C>G, p.Phe164Leu (NM_001085425.3, NM_001085426.3, NM_001085427.3); c.234C>G, p.Phe78Leu (NM_001085428.3, NM_001362782.2); short protein forms F78L, F164L.
Identifiers: ClinVar variation 1428659 (VCV001428659.6), dbSNP rs745605987, ClinGen allele CA10324996.
Genomic context (GRCh38, chr22:50,627,026, plus strand): 5'-CAACAGTGGGATGGGGACCAGGCCCTGGTCACAGCCACCGTCGCAAGGAGTGGCCGGCGG[G>C]AAGCAGGTCAGGTTCTGGCAGGGGCCCTGAGGCGGGCAGCTGCCGTGAGGGCTGGGCTGG-3'
Protein context (NP_000478.3, residues 154-174): DQGPCQNLTC[Phe164Leu]PPATPCDGGC